The following is an entry in ClinVar:

NM_001379286.1(ZNF423):c.1480C>T (p.Pro494Ser)

Gene: ZNF423 (zinc finger protein 423; minus strand). Cytogenetic location: 16q12.1.
Variant type: single nucleotide variant.
Coding change: c.1480C>T on transcript NM_001379286.1 (MANE Select); coding-DNA position 1480, C replaced by T.
Protein change: p.Pro494Ser; replaces proline 494 with serine.
Molecular consequence: missense variant.
Genome position (GRCh38, 1-based): chr16:49,637,696, G>A on the plus strand (C>T on the coding strand, the complement: ZNF423 is on the minus strand). VCF-style: chr16-49637696-G-A. GRCh37 (hg19) VCF-style: chr16-49671607-G-A.
Other names: c.1276C>T, p.Pro426Ser (NM_001271620.2); c.1105C>T, p.Pro369Ser (NM_001330533.2); c.1456C>T, p.Pro486Ser (NM_015069.5); short protein forms P494S, P486S, P369S, P426S.
Identifiers: ClinVar variation 1525366 (VCV001525366.8), dbSNP rs1036276285, ClinGen allele CA281212682.
Genomic context (GRCh38, chr16:49,637,696, plus strand): 5'-GGCCGCAGTGGGAGACGCGGATGTGCTCCTGCAGGCTATTGATGTCGGCGAACATCTCGG[G>A]GCAGTAGTTGCAGTGGAAGGCAGAGATGTTGCCAAACTGCATCACAGGGTAGGCATGGTT-3'
Protein context (NP_001366215.1, residues 484-504): NISAFHCNYC[Pro494Ser]EMFADINSLQ

ClinVar aggregate classification (germline): Uncertain significance (1 of 4 stars; one submission).

Conditions:
Nephronophthisis 14 (NPHP14). Identifiers: Orphanet 2318, MedGen C3539071, MONDO:0013916, OMIM 614844.

Allele frequency attached by ClinVar (database versions not stated): gnomAD exomes below 0.00001; TOPMed 0.00001.
gnomAD v4.1: 1 of 1,614,178 alleles (0.000062%); highest among the groups gnomAD compares: African/African-American, 0.0013%; no homozygotes.

Submission:

Labcorp Genetics (formerly Invitae), Labcorp
Classification: Uncertain significance for Nephronophthisis 14. Last evaluated: 2023-11-27. Review status: criteria provided, single submitter. Criteria: Invitae Variant Classification Sherloc (09022015). Collection method: clinical testing. Allele origin: germline.
Comment: This sequence change replaces proline, which is neutral and non-polar, with serine, which is neutral and polar, at codon 486 of the ZNF423 protein (p.Pro486Ser). This variant is not present in population databases (gnomAD no frequency). This variant has not been reported in the literature in individuals affected with ZNF423-related conditions. ClinVar contains an entry for this variant (Variation ID: 1525366). Advanced modeling of protein sequence and biophysical properties (such as structural, functional, and spatial information, amino acid conservation, physicochemical variation, residue mobility, and thermodynamic stability) performed at Invitae indicates that this missense variant is not expected to disrupt ZNF423 protein function with a negative predictive value of 80%. In summary, the available evidence is currently insufficient to determine the role of this variant in disease. Therefore, it has been classified as a Variant of Uncertain Significance.